The following is an entry in ClinVar:

NM_000016.6(ACADM):c.1189T>A (p.Tyr397Asn)

Gene: ACADM (acyl-CoA dehydrogenase medium chain; plus strand). Cytogenetic location: 1p31.1.
Variant type: single nucleotide variant.
Coding change: c.1189T>A on transcript NM_000016.6 (MANE Select); coding-DNA position 1189, T replaced by A.
Protein change: p.Tyr397Asn; replaces tyrosine 397 with asparagine.
Molecular consequence: missense variant.
Genome position (GRCh38, 1-based): chr1:75,761,365, T>A. VCF-style: chr1-75761365-T-A. GRCh37 (hg19) VCF-style: chr1-76227050-T-A.
Other names: c.1201T>A, p.Tyr401Asn (NM_001127328.3); c.1081T>A, p.Tyr361Asn (NM_001286042.2); c.1288T>A, p.Tyr430Asn (NM_001286043.2); c.622T>A, p.Tyr208Asn (NM_001286044.2); short protein forms Y397N, Y401N, Y361N, Y430N, Y208N.
Identifiers: ClinVar variation 226095 (VCV000226095.23), dbSNP rs759158371, ClinGen allele CA913287.

ClinVar aggregate classification (germline): Pathogenic/Likely pathogenic. Review status: criteria provided, multiple submitters, no conflicts (2 of 4 stars). 8 submissions from 8 submitters: Pathogenic (3); Likely pathogenic (5). Last evaluated 2026-09-04.

Conditions:
ACADM-related disorder. Also called: ACADM-related condition.
Medium-chain acyl-coenzyme A dehydrogenase deficiency (ACADMD). Also called: Medium chain acyl-CoA dehydrogenase deficiency; MCADD; CARNITINE DEFICIENCY SECONDARY TO MEDIUM-CHAIN ACYL-CoA DEHYDROGENASE DEFICIENCY; ACADM DEFICIENCY; MCADH DEFICIENCY; MCAD Deficiency. Identifiers: Orphanet 42, MedGen C0220710, MONDO:0008721, OMIM 201450.

Allele frequency attached by ClinVar (database versions not stated): ExAC 0.00003; gnomAD exomes 0.00004.
gnomAD v4.1: 10 of 1,613,896 alleles (0.00062%); highest among the groups gnomAD compares: East Asian, 0.02%; no homozygotes.

Submissions (8):

PreventionGenetics, part of Exact Sciences
Classification: Likely pathogenic for ACADM-related condition. Last evaluated: 2026-09-04. Review status: criteria provided, single submitter. Criteria: ACMG Guidelines, 2015. Collection method: clinical testing. Allele origin: germline.
Comment: The ACADM c.1189T>A variant is predicted to result in the amino acid substitution p.Tyr397Asn. This variant, also referred to as p.Tyr372Asn using legacy nomenclature, has been reported in individuals with clinical and biochemical characteristics consistent with medium chain acyl CoA dehydrogenase deficiency (MCADD) via newborn screening (Yokoi et al. 2007. PubMed ID: 18075239; Woo et al. 2011. PubMed ID: 21239873; Hara et al. 2015. PubMed ID: 26947917; Li et al. 2022. PubMed ID: 36068006). In vitro analysis demonstrates this variant results in a significant loss of enzyme activity and protein expression (Hara et al. 2015. PubMed ID: 26947917; Madeira et al. 2023. PubMed ID: 37257730). This variant is reported in 0.049% of alleles in individuals of East Asian descent in gnomAD, and it is classified as pathogenic/likely pathogenic in the ClinVar database (Variation ID: 226095). This variant is interpreted as likely pathogenic.

Natera, Inc.
Classification: Likely pathogenic for Medium Chain Acyl-CoA Dehydrogenase Deficiency. Last evaluated: 2025-01-13. Review status: criteria provided, single submitter. Criteria: Natera Variant Classification Schema (03/2026). Collection method: clinical testing. Allele origin: germline.
Comment: The c.1189T>A variant in ACADM is a missense variant predicted to cause substitution of tyrosine to asparagine at amino acid 397. This variant is rare in the general population with a frequency below the threshold expected for the associated phenotype(s). This variant has been observed in one or more individuals affected with the associated recessive disease, as either homozygous or compound heterozygous with a second variant (PMID: 32901917, 21239873, 18075239, 36068006, 36544340). Computational prediction algorithms indicate this variant is likely to affect gene or protein function. Given the available evidence, this variant is classified as Likely Pathogenic.

Labcorp Genetics (formerly Invitae), Labcorp
Classification: Pathogenic for Medium-chain acyl-coenzyme A dehydrogenase deficiency. Last evaluated: 2024-05-02. Review status: criteria provided, single submitter. Criteria: Invitae Variant Classification Sherloc (09022015). Collection method: clinical testing. Allele origin: germline.
Comment: This sequence change replaces tyrosine, which is neutral and polar, with asparagine, which is neutral and polar, at codon 397 of the ACADM protein (p.Tyr397Asn). This variant is present in population databases (rs759158371, gnomAD 0.05%). This missense change has been observed in individual(s) with MCAD deficiency (PMID: 18075239, 19064330, 21239873, 26947917). In at least one individual the data is consistent with being in trans (on the opposite chromosome) from a pathogenic variant. This variant is also known as c.1189A>T. ClinVar contains an entry for this variant (Variation ID: 226095). Advanced modeling of protein sequence and biophysical properties (such as structural, functional, and spatial information, amino acid conservation, physicochemical variation, residue mobility, and thermodynamic stability) performed at Invitae indicates that this missense variant is not expected to disrupt ACADM protein function with a negative predictive value of 80%. Experimental studies have shown that this missense change affects ACADM function (PMID: 26947917). This variant disrupts the p.Tyr397 amino acid residue in ACADM. Other variant(s) that disrupt this residue have been observed in individuals with ACADM-related conditions (PMID: 18075239, 19064330, 21239873, 26947917; Invitae), which suggests that this may be a clinically significant amino acid residue. For these reasons, this variant has been classified as Pathogenic.

Baylor Genetics
Classification: Likely pathogenic for Medium-chain acyl-coenzyme A dehydrogenase deficiency. Last evaluated: 2024-03-09. Review status: criteria provided, single submitter. Criteria: ACMG Guidelines, 2015. Collection method: clinical testing. Allele origin: unknown.

Greenwood Genetic Center Diagnostic Laboratories, Greenwood Genetic Center
Classification: Pathogenic for Medium-chain acyl-coenzyme A dehydrogenase deficiency. Last evaluated: 2023-12-20. Review status: criteria provided, single submitter. Criteria: ACMG Guidelines, 2015. Collection method: clinical testing. Allele origin: germline. Affected: yes.
Comment: PS3, PM3_Strong, PM2, PM1, PP3

Women's Health and Genetics/Laboratory Corporation of America, LabCorp
Classification: Pathogenic for Medium-chain acyl-coenzyme A dehydrogenase deficiency. Last evaluated: 2023-04-26. Review status: criteria provided, single submitter. Criteria: LabCorp Variant Classification Summary - May 2015. Collection method: clinical testing. Allele origin: germline.
Comment: Variant summary: ACADM c.1189T>A (p.Tyr397Asn) results in a non-conservative amino acid change located in the Acyl-CoA dehydrogenase/oxidase C-terminal domain (IPR009075) of the encoded protein sequence. Four of five in-silico tools predict a damaging effect of the variant on protein function. The variant allele was found at a frequency of 3.6e-05 in 250034 control chromosomes (gnomAD). c.1189T>A has been reported in the literature as a biallelic genotype in individuals affected with Medium Chain Acyl-CoA Dehydrogenase Deficiency (e.g. Yokoi_2007, Woo_2011, Seo_2020, Li_2022). These data indicate that the variant is likely to be associated with disease. At least one publication reports experimental evidence evaluating an impact on protein function, showing the variant had 0.9% residual activity when expressed in HEK293T cells (Hara_2016). The following publications have been ascertained in the context of this evaluation (PMID: 26947917, 36068006, 32901917, 21239873, 18075239). Two ClinVar submitters have assessed the variant since 2014: one classified the variant as likely pathogenic, and one as pathogenic. Based on the evidence outlined above, the variant was classified as pathogenic.

ARUP Laboratories, Molecular Genetics and Genomics, ARUP Laboratories
Classification: Likely pathogenic for Medium-chain acyl-coenzyme A dehydrogenase deficiency. Last evaluated: 2019-07-22. Review status: criteria provided, single submitter. Criteria: ARUP Molecular Germline Variant Investigation Process. Collection method: clinical testing. Allele origin: germline.

Juno Genomics, Hangzhou Juno Genomics, Inc
Classification: Likely pathogenic for Medium-chain acyl-coenzyme A dehydrogenase deficiency. Review status: criteria provided, single submitter. Criteria: ACMG Guidelines, 2015. Collection method: clinical testing. Allele origin: germline.
Comment: Absent from controls (or at extremely low frequency if recessive) in Genome Aggregation Database.;Well-established in vitro or in vivo functional studies supportive of a damaging effect on the gene or gene product.;For recessive disorders, detected in trans with a pathogenic variant.;Patient's phenotype or family history is highly specific for a disease with a single genetic etiology.

Literature cited by the submitters: PubMed 32901917 (cited by Natera, Inc. and Women's Health and Genetics/Laboratory Corporation of America, LabCorp); PubMed 21239873 (cited by 3 submitters); PubMed 18075239 (cited by 3 submitters); PubMed 36068006 (cited by Natera, Inc. and Women's Health and Genetics/Laboratory Corporation of America, LabCorp); PubMed 36544340 (cited by Natera, Inc.); PubMed 19064330 (cited by Labcorp Genetics (formerly Invitae), Labcorp); PubMed 26947917 (cited by Labcorp Genetics (formerly Invitae), Labcorp and Women's Health and Genetics/Laboratory Corporation of America, LabCorp).